The following is an entry in ClinVar:

NM_032447.5(FBN3):c.7674C>A (p.Thr2558=)

Gene: FBN3 (fibrillin 3; minus strand). Cytogenetic location: 19p13.2.
Variant type: single nucleotide variant.
Coding change: c.7674C>A on transcript NM_032447.5 (MANE Select); coding-DNA position 7674, C replaced by A.
Protein change: p.Thr2558=; no amino-acid change (threonine 2558 retained).
Molecular consequence: synonymous variant.
Genome position (GRCh38, 1-based): chr19:8,075,099, G>T on the plus strand (C>A on the coding strand, the complement: FBN3 is on the minus strand). VCF-style: chr19-8075099-G-T. GRCh37 (hg19) VCF-style: chr19-8139983-G-T.
Other names: c.7674C>A (NM_001321431.1); c.7674C>A, p.Thr2558= (NM_001321431.2).
Identifiers: ClinVar variation 2722946 (VCV002722946.5), dbSNP rs150872554, ClinGen allele CA9150790.
Genomic context (GRCh38, chr19:8,075,099, plus strand): 5'-GGCCCAGCTTCTTCCCAGCCCTTTTCACTCACCCACACACTGGGCCCACTGGGAGTGCTG[G>T]GTGAAACCCTGGGGGCAGCTGCAGCGGTAGCCCCCTAGCTGGTTCTGACAGCCATGCTGG-3'
Protein context (NP_115823.3, residues 2548-2568): GYRCSCPQGF[Thr2558=]QHSQWAQCVD

ClinVar aggregate classification (germline): Likely benign. Review status: criteria provided, single submitter (1 of 4 stars). 2 submissions from 2 submitters: Likely benign (1). 1 of the submissions does not count toward it. Last evaluated 2026-01-27.

Conditions:
FBN3-related disorder. Also called: FBN3-related condition.

Allele frequency attached by ClinVar (database versions not stated): gnomAD 0.00010; TOPMed 0.00012; 1000 Genomes Project 0.00040; ESP Exome Variant Server 0.00008; 1000 Genomes Project 30x 0.00031; gnomAD exomes 0.00002; ExAC 0.00008.
gnomAD v4.1: 59 of 1,599,608 alleles (0.0037%); highest among the groups gnomAD compares: African/African-American, 0.039%; 1 homozygote.

Submissions (2):

Labcorp Genetics (formerly Invitae), Labcorp
Classification: Likely benign. Last evaluated: 2026-01-27. Review status: criteria provided, single submitter. Criteria: Invitae Variant Classification Sherloc (09022015). Collection method: clinical testing. Allele origin: germline.

PreventionGenetics, part of Exact Sciences
Classification: Likely benign for FBN3-related condition. Last evaluated: 2019-05-20. Review status: no assertion criteria provided. Collection method: clinical testing. Allele origin: germline. Not counted in ClinVar's aggregate classification.
Comment: This variant is classified as likely benign based on ACMG/AMP sequence variant interpretation guidelines (Richards et al. 2015 PMID: 25741868, with internal and published modifications).